The following is an entry in ClinVar:

ClinVar aggregate classification (germline): Uncertain significance (1 of 4 stars; one submission).

Conditions:
Hyper-IgE recurrent infection syndrome 1, autosomal dominant. Also called: JOB SYNDROME; HYPER-IgE SYNDROME 1, AUTOSOMAL DOMINANT, WITH RECURRENT INFECTIONS; Job's Syndrome; STAT3 Hyper IgE Syndrome; Hyper-IgE recurrent infection syndrome 1. Identifiers: Orphanet 2314, MedGen C2936739, MONDO:0007818, OMIM 147060.
STAT3 gain of function. Identifiers: MedGen C4288261.

Allele frequency attached by ClinVar (database versions not stated): gnomAD exomes below 0.00001; gnomAD 0.00002; TOPMed 0.00003.
gnomAD v4.1: 12 of 1,614,094 alleles (0.00074%); highest among the groups gnomAD compares: East Asian, 0.018%; no homozygotes.

Submission:

Labcorp Genetics (formerly Invitae), Labcorp
Classification: Uncertain significance for STAT3 gain of function; Hyper-IgE recurrent infection syndrome 1, autosomal dominant. Last evaluated: 2024-07-12. Review status: criteria provided, single submitter. Criteria: Invitae Variant Classification Sherloc (09022015). Collection method: clinical testing. Allele origin: germline.
Comment: This sequence change falls in intron 7 of the STAT3 gene. It does not directly change the encoded amino acid sequence of the STAT3 protein. This variant is present in population databases (no rsID available, gnomAD 0.02%). This variant has not been reported in the literature in individuals affected with STAT3-related conditions. ClinVar contains an entry for this variant (Variation ID: 2065153). Algorithms developed to predict the effect of sequence changes on RNA splicing suggest that this variant may create or strengthen a splice site. In summary, the available evidence is currently insufficient to determine the role of this variant in disease. Therefore, it has been classified as a Variant of Uncertain Significance.

NM_139276.3(STAT3):c.645+9A>G

Gene: STAT3 (signal transducer and activator of transcription 3; minus strand). Cytogenetic location: 17q21.2.
Variant type: single nucleotide variant.
Coding change: c.645+9A>G on transcript NM_139276.3 (MANE Select); 9 bases into the intron after coding-DNA position 645, A replaced by G.
Molecular consequence: intron variant.
Genome position (GRCh38, 1-based): chr17:42,337,754, T>C on the plus strand (A>G on the coding strand, the complement: STAT3 is on the minus strand). VCF-style: chr17-42337754-T-C. GRCh37 (hg19) VCF-style: chr17-40489772-T-C.
Other names: c.549+9A>G (NM_001384989.1); c.645+9A>G (NM_001384992.1, NM_001384984.1, NM_001369519.1 and 15 more transcripts); c.567+9A>G (NM_001384985.1).
Identifiers: ClinVar variation 2065153 (VCV002065153.4), dbSNP rs1258659796, ClinGen allele CA626050083.